The following is an entry in ClinVar:

ClinVar aggregate classification (germline): Uncertain significance (1 of 4 stars; one submission).

Submission:

Labcorp Genetics (formerly Invitae), Labcorp
Classification: Uncertain significance. Last evaluated: 2025-06-09. Review status: criteria provided, single submitter. Criteria: Invitae Variant Classification Sherloc (09022015). Collection method: clinical testing. Allele origin: germline.
Comment: This sequence change replaces glycine, which is neutral and non-polar, with glutamic acid, which is acidic and polar, at codon 28 of the HMGA2 protein (p.Gly28Glu). This variant is not present in population databases (gnomAD no frequency). This variant has not been reported in the literature in individuals affected with HMGA2-related conditions. An algorithm developed to predict the effect of missense changes on protein structure and function (PolyPhen-2) suggests that this variant is likely to be disruptive. In summary, the available evidence is currently insufficient to determine the role of this variant in disease. Therefore, it has been classified as a Variant of Uncertain Significance.

NM_003483.6(HMGA2):c.83G>A (p.Gly28Glu)

Gene: HMGA2 (high mobility group AT-hook 2; plus strand). Cytogenetic location: 12q14.3.
Variant type: single nucleotide variant.
Coding change: c.83G>A on transcript NM_003483.6 (MANE Select); coding-DNA position 83, G replaced by A.
Protein change: p.Gly28Glu; replaces glycine 28 with glutamic acid.
Molecular consequence: missense variant.
Genome position (GRCh38, 1-based): chr12:65,825,353, G>A. VCF-style: chr12-65825353-G-A. GRCh37 (hg19) VCF-style: chr12-66219133-G-A.
Other names: c.83G>A, p.Gly28Glu (NM_001300918.1, NM_001300919.1, NM_001330190.1 and 1 more transcripts); short protein forms G28E.
Identifiers: ClinVar variation 4720901 (VCV004720901.1).
Genomic context (GRCh38, chr12:65,825,353, plus strand): 5'-CGGGGCAGCCGTCCACTTCAGCCCAGGGACAACCTGCCGCCCCAGCGCCTCAGAAGAGAG[G>A]ACGCGGCCGCCCCAGGAAGCAGCAGCAAGTCAGTACGAGGGCGCGGTGGGGGCACCAGCC-3'
Protein context (NP_003474.1, residues 18-38): QPAAPAPQKR[Gly28Glu]RGRPRKQQQE